The following is an entry in ClinVar:

NM_014476.6(PDLIM3):c.702C>G (p.Tyr234Ter)

Gene: PDLIM3 (PDZ and LIM domain 3; minus strand). Cytogenetic location: 4q35.1.
Variant type: single nucleotide variant.
Coding change: c.702C>G on transcript NM_014476.6 (MANE Select); coding-DNA position 702, C replaced by G.
Protein change: p.Tyr234Ter; replaces tyrosine 234 with a stop codon.
Molecular consequence: nonsense. On other transcripts: non-coding transcript variant (1).
Genome position (GRCh38, 1-based): chr4:185,506,613, G>C on the plus strand (C>G on the coding strand, the complement: PDLIM3 is on the minus strand). VCF-style: chr4-185506613-G-C. GRCh37 (hg19) VCF-style: chr4-186427767-G-C.
Other names: c.558C>G, p.Tyr186Ter (NM_001114107.5); c.438C>G, p.Tyr146Ter (NM_001257962.2); c.201C>G, p.Tyr67Ter (NM_001257963.2); short protein forms Y146*, Y186*, Y234*, Y67*.
Identifiers: ClinVar variation 4880964 (VCV004880964.2).

ClinVar aggregate classification (germline): Uncertain significance (1 of 4 stars; one submission).

Submission:

Dasa
Classification: Uncertain significance. Last evaluated: 2025-08-16. Review status: criteria provided, single submitter. Criteria: DASA Assertion Criteria. Collection method: clinical testing. Allele origin: germline.
Comment: NM_014476.6(PDLIM3):c.702C>G (p.Tyr234*) is a nonsense variant in PDLIM3 predicted to introduce a premature termination codon. This variant is absent from population databases. The currently available literature and clinical evidence are not sufficient to establish a definitive association between this variant and the reported condition. Therefore, this variant is classified as a variant of uncertain significance.